The following is an entry in ClinVar:

ClinVar aggregate classification (germline): Uncertain significance. Review status: criteria provided, multiple submitters, no conflicts (2 of 4 stars). 2 submissions from 2 submitters: Uncertain significance (2). Last evaluated 2024-01-15.

Submissions (2):

Blueprint Genetics
Classification: Uncertain significance. Last evaluated: 2024-01-15. Review status: criteria provided, single submitter. Criteria: ACMG Guidelines, 2015. Collection method: clinical testing. Allele origin: germline.

Labcorp Genetics (formerly Invitae), Labcorp
Classification: Uncertain significance. Last evaluated: 2023-01-11. Review status: criteria provided, single submitter. Criteria: Invitae Variant Classification Sherloc (09022015). Collection method: clinical testing. Allele origin: germline.
Comment: In summary, the available evidence is currently insufficient to determine the role of this variant in disease. Therefore, it has been classified as a Variant of Uncertain Significance. Experimental studies and prediction algorithms are not available or were not evaluated, and the functional significance of this variant is currently unknown. This variant has not been reported in the literature in individuals affected with BEST1-related conditions. This variant is not present in population databases (gnomAD no frequency). This sequence change creates a premature translational stop signal (p.Asp569Argfs*14) in the BEST1 gene. While this is not anticipated to result in nonsense mediated decay, it is expected to disrupt the last 17 amino acid(s) of the BEST1 protein.

NM_004183.4(BEST1):c.1704dup (p.Asp569fs)

Gene: BEST1 (bestrophin 1; plus strand). Cytogenetic location: 11q12.3.
Variant type: Duplication.
Coding change: c.1704dup on transcript NM_004183.4 (MANE Select); coding-DNA position 1704, one base duplicated (A; older notation c.1704dupA).
Protein change: p.Asp569fs; shifts the reading frame from aspartic acid 569.
Molecular consequence: frameshift variant. On other transcripts: non-coding transcript variant (1).
Genome position (GRCh38, 1-based): chr11:61,962,858, A duplicated; the last of 3 consecutive A bases (chr11:61,962,856-61,962,858); duplicating any one gives the same sequence. VCF-style (leftmost placement, unchanged base first): chr11-61962855-C-CA. GRCh37 (hg19) VCF-style: chr11-61730327-C-CA.
Other names: c.1524dup, p.Asp509Argfs (NM_001139443.3); c.1443dup, p.Asp482fs (NM_001300786.2); c.1524dup, p.Asp509fs (NM_001300787.2); c.1386dup, p.Asp463Argfs (NM_001363591.3); c.*599dup (NM_001363592.2); c.732dup, p.Asp245Argfs (NM_001363593.3); short protein forms D463fs, D509fs, D245fs, D482fs, D569fs.
Identifiers: ClinVar variation 2988101 (VCV002988101.4), dbSNP rs1408249482, ClinGen allele CA679007389.